The following is an entry in ClinVar:

ClinVar aggregate classification (germline): Uncertain significance (1 of 4 stars; one submission).

Submission:

Ambry Genetics
Classification: Uncertain significance. Last evaluated: 2024-10-15. Review status: criteria provided, single submitter. Criteria: Ambry Variant Classification Scheme 2023. Collection method: clinical testing. Allele origin: germline.
Comment: The p.Y68S variant (also known as c.203A>C), located in coding exon 3 of the FAM175A gene, results from an A to C substitution at nucleotide position 203. The tyrosine at codon 68 is replaced by serine, an amino acid with dissimilar properties. This amino acid position is conserved. In addition, the in silico prediction for this alteration is inconclusive. Based on the available evidence, the clinical significance of this variant remains unclear.

NM_139076.3(ABRAXAS1):c.203A>C (p.Tyr68Ser)

Gene: ABRAXAS1 (abraxas 1, BRCA1 A complex subunit; minus strand). Cytogenetic location: 4q21.23.
Variant type: single nucleotide variant.
Coding change: c.203A>C on transcript NM_139076.3 (MANE Select); coding-DNA position 203, A replaced by C.
Protein change: p.Tyr68Ser; replaces tyrosine 68 with serine.
Molecular consequence: missense variant. On other transcripts: 5 prime UTR variant (1).
Genome position (GRCh38, 1-based): chr4:83,476,655, T>G on the plus strand (A>C on the coding strand, the complement: ABRAXAS1 is on the minus strand). VCF-style: chr4-83476655-T-G. GRCh37 (hg19) VCF-style: chr4-84397808-T-G.
Other names: c.-58A>C (NM_001345962.2); short protein forms Y68S.
Identifiers: ClinVar variation 3447804 (VCV003447804.1).